The following is an entry in ClinVar:

NM_004525.3(LRP2):c.7132G>T (p.Asp2378Tyr)

Gene: LRP2 (LDL receptor related protein 2; minus strand). Cytogenetic location: 2q31.1.
Variant type: single nucleotide variant.
Coding change: c.7132G>T on transcript NM_004525.3 (MANE Select); coding-DNA position 7132, G replaced by T.
Protein change: p.Asp2378Tyr; replaces aspartic acid 2378 with tyrosine.
Molecular consequence: missense variant.
Genome position (GRCh38, 1-based): chr2:169,206,588, C>A on the plus strand (G>T on the coding strand, the complement: LRP2 is on the minus strand). VCF-style: chr2-169206588-C-A. GRCh37 (hg19) VCF-style: chr2-170063098-C-A.
Other names: short protein forms D2378Y.
Identifiers: ClinVar variation 3253337 (VCV003253337.1), dbSNP rs1360672432.

ClinVar aggregate classification (germline): Uncertain significance (1 of 4 stars; one submission).

Submission:

GeneDx
Classification: Uncertain significance. Last evaluated: 2024-06-11. Review status: criteria provided, single submitter. Criteria: GeneDx Variant Classification Process June 2021. Collection method: clinical testing. Allele origin: germline. Affected: yes.
Comment: Not observed at significant frequency in large population cohorts (gnomAD); In silico analysis supports that this missense variant has a deleterious effect on protein structure/function; Has not been previously published as pathogenic or benign to our knowledge; This variant is associated with the following publications: (PMID: 27535533)